The following is an entry in ClinVar:

ClinVar aggregate classification (germline): Uncertain significance (1 of 4 stars; one submission).

Conditions:
Cranioectodermal dysplasia 1 (CED1). Also called: LEVIN SYNDROME I. Identifiers: Orphanet 1515, MedGen C0432235, MONDO:0021093, OMIM 218330.

Allele frequency attached by ClinVar (database versions not stated): gnomAD exomes below 0.00001; TOPMed below 0.00001.
gnomAD v4.1: 4 of 1,614,238 alleles (0.00025%); highest among the groups gnomAD compares: East Asian, 0.0022%; no homozygotes.

Submission:

Labcorp Genetics (formerly Invitae), Labcorp
Classification: Uncertain significance for Cranioectodermal dysplasia 1. Last evaluated: 2022-08-20. Review status: criteria provided, single submitter. Criteria: Invitae Variant Classification Sherloc (09022015). Collection method: clinical testing. Allele origin: germline.
Comment: Algorithms developed to predict the effect of missense changes on protein structure and function are either unavailable or do not agree on the potential impact of this missense change (SIFT: "Deleterious"; PolyPhen-2: "Probably Damaging"; Align-GVGD: "Class C0"). In summary, the available evidence is currently insufficient to determine the role of this variant in disease. Therefore, it has been classified as a Variant of Uncertain Significance. This variant has not been reported in the literature in individuals affected with IFT122-related conditions. This variant is present in population databases (no rsID available, gnomAD 0.006%). This sequence change replaces tyrosine, which is neutral and polar, with cysteine, which is neutral and slightly polar, at codon 414 of the IFT122 protein (p.Tyr414Cys).

NM_052989.3(IFT122):c.1088A>G (p.Tyr363Cys)

Gene: IFT122 (intraflagellar transport 122; plus strand). Cytogenetic location: 3q21.3.
Variant type: single nucleotide variant.
Coding change: c.1088A>G on transcript NM_052989.3 (MANE Select); coding-DNA position 1088, A replaced by G.
Protein change: p.Tyr363Cys; replaces tyrosine 363 with cysteine.
Molecular consequence: missense variant.
Genome position (GRCh38, 1-based): chr3:129,476,742, A>G. VCF-style: chr3-129476742-A-G. GRCh37 (hg19) VCF-style: chr3-129195585-A-G.
Other names: c.1064A>G, p.Tyr355Cys (NM_001280541.2); c.638A>G, p.Tyr213Cys (NM_001280545.2); c.461A>G, p.Tyr154Cys (NM_001280546.2); c.1088A>G, p.Tyr363Cys (NM_001410808.1, NM_001410809.1); c.911A>G, p.Tyr304Cys (NM_001410810.1, NM_001410811.1, NM_001410813.1 and 1 more transcripts); c.755A>G, p.Tyr252Cys (NM_001410815.1, NM_001410817.1, NM_052990.3); c.1241A>G, p.Tyr414Cys (NM_052985.4); short protein forms Y213C, Y355C, Y154C, Y363C, Y414C, Y252C, Y304C.
Identifiers: ClinVar variation 2192120 (VCV002192120.4), dbSNP rs1033493401, ClinGen allele CA82614056.
Genomic context (GRCh38, chr3:129,476,742, plus strand): 5'-GCACCATTTCCTTCTACCAGCTTATTTTCAGCACAGTCCATGGGCTTTACAAGGACCGCT[A>G]TGCCTACAGGGATAGCATGACTGACGTCATTGTGCAGCACCTGATCACTGAGCAGAAAGG-3'
Protein context (NP_443715.1, residues 353-373): STVHGLYKDR[Tyr363Cys]AYRDSMTDVI